The following is an entry in ClinVar:

ClinVar aggregate classification (germline): Uncertain significance. Review status: criteria provided, single submitter (1 of 4 stars). 2 submissions from 2 submitters: Uncertain significance (1). 1 of the submissions does not count toward it. Last evaluated 2022-06-09.

Conditions:
Pontocerebellar hypoplasia type 2D (PCH2D). Also called: Progressive cerebello-cerebral atrophy. Identifiers: Orphanet 247198, Orphanet 2524, MedGen C3151140, MONDO:0013438, OMIM 613811.

Allele frequency attached by ClinVar (database versions not stated): ExAC 0.00002; gnomAD exomes 0.00002 and 0.00003; gnomAD 0.00003; TOPMed 0.00003.
gnomAD v4.1: 41 of 1,613,450 alleles (0.0025%); highest among the groups gnomAD compares: African/African-American, 0.0013%; no homozygotes.

Submissions (2):

Labcorp Genetics (formerly Invitae), Labcorp
Classification: Uncertain significance. Last evaluated: 2022-06-09. Review status: criteria provided, single submitter. Criteria: Invitae Variant Classification Sherloc (09022015). Collection method: clinical testing. Allele origin: germline.
Comment: This sequence change replaces tyrosine, which is neutral and polar, with cysteine, which is neutral and slightly polar, at codon 417 of the SEPSECS protein (p.Tyr417Cys). The frequency data for this variant in the population databases is considered unreliable, as metrics indicate poor data quality at this position in the gnomAD database. This variant has not been reported in the literature in individuals affected with SEPSECS-related conditions. ClinVar contains an entry for this variant (Variation ID: 989883). Algorithms developed to predict the effect of missense changes on protein structure and function are either unavailable or do not agree on the potential impact of this missense change (SIFT: "Tolerated"; PolyPhen-2: "Possibly Damaging"; Align-GVGD: "Class C0"). In summary, the available evidence is currently insufficient to determine the role of this variant in disease. Therefore, it has been classified as a Variant of Uncertain Significance.

Natera, Inc.
Classification: Uncertain significance for Pontocerebellar hypoplasia type 2d. Last evaluated: 2020-04-21. Review status: no assertion criteria provided. Collection method: clinical testing. Allele origin: germline. Not counted in ClinVar's aggregate classification.

NM_016955.4(SEPSECS):c.1250A>G (p.Tyr417Cys)

Gene: SEPSECS (Sep (O-phosphoserine) tRNA:Sec (selenocysteine) tRNA synthase; minus strand). Cytogenetic location: 4p15.2.
Variant type: single nucleotide variant.
Coding change: c.1250A>G on transcript NM_016955.4 (MANE Select); coding-DNA position 1250, A replaced by G.
Protein change: p.Tyr417Cys; replaces tyrosine 417 with cysteine.
Molecular consequence: missense variant.
Genome position (GRCh38, 1-based): chr4:25,124,187, T>C on the plus strand (A>G on the coding strand, the complement: SEPSECS is on the minus strand). VCF-style: chr4-25124187-T-C. GRCh37 (hg19) VCF-style: chr4-25125809-T-C.
Other names: short protein forms Y417C.
Identifiers: ClinVar variation 989883 (VCV000989883.3), dbSNP rs762180254, ClinGen allele CA2877181.